The following is an entry in ClinVar:

NM_006576.4(AVIL):c.1729G>A (p.Gly577Ser)

Gene: AVIL (advillin; minus strand). Cytogenetic location: 12q14.1.
Variant type: single nucleotide variant.
Coding change: c.1729G>A on transcript NM_006576.4 (MANE Select); coding-DNA position 1729, G replaced by A.
Protein change: p.Gly577Ser; replaces glycine 577 with serine.
Molecular consequence: missense variant.
Genome position (GRCh38, 1-based): chr12:57,803,612, C>T on the plus strand (G>A on the coding strand, the complement: AVIL is on the minus strand). VCF-style: chr12-57803612-C-T. GRCh37 (hg19) VCF-style: chr12-58197395-C-T.
Other names: short protein forms G577S.
Identifiers: ClinVar variation 992262 (VCV000992262.2), dbSNP rs748204951, ClinGen allele CA6659716.
Genomic context (GRCh38, chr12:57,803,612, plus strand): 5'-CTCCCAGTAGGTCCCAGAACTCGGCTGGCTCCTGGCCCTCGGCCACAGTGTTCTCGCTGC[C>T]ATCACAGAGAAGGCTGGCCAGCTCCTTAGCCATTGCCCGCTCATCCCCACTAGACCCCTG-3'
Protein context (NP_006567.3, residues 567-587): AKELASLLCD[Gly577Ser]SENTVAEGQE

ClinVar aggregate classification (germline): Uncertain significance. Review status: criteria provided, multiple submitters, no conflicts (2 of 4 stars). 2 submissions from 2 submitters: Uncertain significance (2). Last evaluated 2023-10-02.

Allele frequency attached by ClinVar (database versions not stated): ExAC 0.00005; gnomAD exomes 0.00006 and 0.00011; gnomAD 0.00009; TOPMed 0.00011.
gnomAD v4.1: 110 of 1,614,064 alleles (0.0068%); highest among the groups gnomAD compares: Non-Finnish European, 0.0019%; no homozygotes.

Submissions (2):

Ambry Genetics
Classification: Uncertain significance. Last evaluated: 2023-10-02. Review status: criteria provided, single submitter. Criteria: Ambry Variant Classification Scheme 2023. Collection method: clinical testing. Allele origin: germline.

Women's Health and Genetics/Laboratory Corporation of America, LabCorp
Classification: Uncertain significance. Last evaluated: 2020-12-17. Review status: criteria provided, single submitter. Criteria: LabCorp Variant Classification Summary - May 2015. Collection method: clinical testing. Allele origin: germline.
Comment: Variant summary: AVIL c.1729G>A (p.Gly577Ser) results in a non-conservative amino acid change located in the Gelsolin-like domain of the encoded protein sequence. Four of five in-silico tools predict a benign effect of the variant on protein function. The variant allele was found at a frequency of 0.00011 in 251274 control chromosomes. To our knowledge, no occurrence of c.1729G>A in individuals affected with Nephrotic Syndrome, Type 21 and no experimental evidence demonstrating its impact on protein function have been reported. No clinical diagnostic laboratories have submitted clinical-significance assessments for this variant to ClinVar after 2014. Based on the evidence outlined above, the variant was classified as uncertain significance.